The following is an entry in ClinVar:

NM_004525.3(LRP2):c.702C>A (p.Cys234Ter)

Gene: LRP2 (LDL receptor related protein 2; minus strand). Cytogenetic location: 2q31.1.
Variant type: single nucleotide variant.
Coding change: c.702C>A on transcript NM_004525.3 (MANE Select); coding-DNA position 702, C replaced by A.
Protein change: p.Cys234Ter; replaces cysteine 234 with a stop codon.
Molecular consequence: nonsense.
Genome position (GRCh38, 1-based): chr2:169,292,320, G>T on the plus strand (C>A on the coding strand, the complement: LRP2 is on the minus strand). VCF-style: chr2-169292320-G-T. GRCh37 (hg19) VCF-style: chr2-170148830-G-T.
Other names: short protein forms C234*.
Identifiers: ClinVar variation 2765797 (VCV002765797.4), dbSNP rs1387815998, ClinGen allele CA349160141.
Genomic context (GRCh38, chr2:169,292,320, plus strand): 5'-ATCTTCATCTCCATTATCTTTACAGTCATCTTCTCCATCACAAACCCAGTTTTGATAAAT[G>T]CATCGGCCACTGGGGCAAGTGAACTGGTAACCACCGCAGGTCGGATAGTCTGGAATAAAG-3'

ClinVar aggregate classification (germline): Pathogenic. Review status: criteria provided, multiple submitters, no conflicts (2 of 4 stars). 2 submissions from 2 submitters: Pathogenic (2). Last evaluated 2025-10-09.

Conditions:
Donnai-Barrow syndrome. Also called: DBS/FOAR SYNDROME; FACIOOCULOACOUSTICORENAL SYNDROME. Identifiers: Orphanet 2143, MedGen C1857277, MONDO:0009104, OMIM 222448.

gnomAD v4.1: 1 of 1,614,052 alleles (0.000062%); highest among the groups gnomAD compares: Non-Finnish European, 0.000085%; no homozygotes.

Submissions (2):

Myriad Genetics, Inc.
Classification: Pathogenic for Donnai-Barrow syndrome. Last evaluated: 2025-10-09. Review status: criteria provided, single submitter. Criteria: Myriad Autosomal Dominant, Autosomal Recessive and X-Linked Classification Criteria (2023). Collection method: clinical testing. Allele origin: unknown.
Comment: NM_004525.2(LRP2):c.702C>A(C234*) is expected to be pathogenic in the context of Donnai-Barrow syndrome. This variant is predicted to lead to an abnormal or absent protein product due to the creation of a premature termination codon in LRP2, a gene where loss-of-function variants are known to be pathogenic. Please note: this variant was assessed in the context of healthy population screening.

Labcorp Genetics (formerly Invitae), Labcorp
Classification: Pathogenic. Last evaluated: 2023-10-05. Review status: criteria provided, single submitter. Criteria: Invitae Variant Classification Sherloc (09022015). Collection method: clinical testing. Allele origin: germline.
Comment: This sequence change creates a premature translational stop signal (p.Cys234*) in the LRP2 gene. It is expected to result in an absent or disrupted protein product. Loss-of-function variants in LRP2 are known to be pathogenic (PMID: 17632512, 25682901). This variant is not present in population databases (gnomAD no frequency). This variant has not been reported in the literature in individuals affected with LRP2-related conditions. For these reasons, this variant has been classified as Pathogenic.

Literature cited by the submitters: PubMed 17632512 (cited by Labcorp Genetics (formerly Invitae), Labcorp); PubMed 25682901 (cited by Labcorp Genetics (formerly Invitae), Labcorp).